The following is an entry in ClinVar:

ClinVar aggregate classification (germline): Uncertain significance (1 of 4 stars; one submission).

Conditions:
Hereditary cancer-predisposing syndrome. Also called: Hereditary Cancer Syndrome; Hereditary neoplastic syndrome; Tumor predisposition; Neoplastic Syndromes, Hereditary. Identifiers: Orphanet 140162, MedGen C0027672, MeSH D009386, MONDO:0015356.

Submission:

Ambry Genetics
Classification: Uncertain significance for Hereditary cancer-predisposing syndrome. Last evaluated: 2024-06-27. Review status: criteria provided, single submitter. Criteria: Ambry Variant Classification Scheme 2023. Collection method: clinical testing. Allele origin: germline.
Comment: The p.T429R variant (also known as c.1286C>G), located in coding exon 6 of the ALK gene, results from a C to G substitution at nucleotide position 1286. The threonine at codon 429 is replaced by arginine, an amino acid with similar properties. This amino acid position is conserved. In addition, this alteration is predicted to be tolerated by in silico analysis. Based on the available evidence, the clinical significance of this variant remains unclear.

NM_004304.5(ALK):c.1286C>G (p.Thr429Arg)

Gene: ALK (ALK receptor tyrosine kinase; minus strand). Cytogenetic location: 2p23.2.
Variant type: single nucleotide variant.
Coding change: c.1286C>G on transcript NM_004304.5 (MANE Select); coding-DNA position 1286, C replaced by G.
Protein change: p.Thr429Arg; replaces threonine 429 with arginine.
Molecular consequence: missense variant.
Genome position (GRCh38, 1-based): chr2:29,328,478, G>C on the plus strand (C>G on the coding strand, the complement: ALK is on the minus strand). VCF-style: chr2-29328478-G-C. GRCh37 (hg19) VCF-style: chr2-29551344-G-C.
Other names: short protein forms T429R.
Identifiers: ClinVar variation 3523740 (VCV003523740.1).